The following is an entry in ClinVar:

NM_016069.11(PAM16):c.112C>G (p.Arg38Gly)

Genes: CORO7-PAM16 (CORO7-PAM16 readthrough; minus strand), PAM16 (presequence translocase associated motor 16; minus strand). Cytogenetic location: 16p13.3.
Variant type: single nucleotide variant.
Coding change: c.112C>G on transcript NM_016069.11 (MANE Select); coding-DNA position 112, C replaced by G.
Protein change: p.Arg38Gly; replaces arginine 38 with glycine.
Molecular consequence: missense variant.
Genome position (GRCh38, 1-based): chr16:4,341,481, G>C on the plus strand (C>G on the coding strand, the complement: PAM16 is on the minus strand). VCF-style: chr16-4341481-G-C. GRCh37 (hg19) VCF-style: chr16-4391482-G-C.
Other names: c.2881C>G, p.Arg961Gly (NM_001201479.2); short protein forms R38G, R961G.
Identifiers: ClinVar variation 585054 (VCV000585054.6), dbSNP rs1314983113, ClinGen allele CA394603500.

ClinVar aggregate classification (germline): Uncertain significance (1 of 4 stars; one submission).

Conditions:
Autosomal recessive spondylometaphyseal dysplasia, Megarbane type. Also called: Spondylometaphyseal dysplasia, megarbane-dagher-melki type. Identifiers: Orphanet 401979, MedGen C2750075, MONDO:0013223, OMIM 613320.

Submission:

Labcorp Genetics (formerly Invitae), Labcorp
Classification: Uncertain significance. Last evaluated: 2023-08-30. Review status: criteria provided, single submitter. Criteria: Invitae Variant Classification Sherloc (09022015). Collection method: clinical testing. Allele origin: germline.
Comment: In summary, the available evidence is currently insufficient to determine the role of this variant in disease. Therefore, it has been classified as a Variant of Uncertain Significance. An algorithm developed to predict the effect of missense changes on protein structure and function (PolyPhen-2) suggests that this variant is likely to be tolerated. ClinVar contains an entry for this variant (Variation ID: 585054). This variant has not been reported in the literature in individuals affected with PAM16-related conditions. This variant is not present in population databases (gnomAD no frequency). This sequence change replaces arginine, which is basic and polar, with glycine, which is neutral and non-polar, at codon 38 of the PAM16 protein (p.Arg38Gly).